The following is an entry in ClinVar:

ClinVar aggregate classification (germline): Pathogenic (1 of 4 stars; one submission).

Submission:

Labcorp Genetics (formerly Invitae), Labcorp
Classification: Pathogenic. Last evaluated: 2021-10-27. Review status: criteria provided, single submitter. Criteria: Invitae Variant Classification Sherloc (09022015). Collection method: clinical testing. Allele origin: germline.
Comment: Algorithms developed to predict the effect of sequence changes on RNA splicing suggest that this variant may create or strengthen a splice site. For these reasons, this variant has been classified as Pathogenic. This variant has not been reported in the literature in individuals affected with PBX1-related conditions. This sequence change creates a premature translational stop signal (p.Glu264*) in the PBX1 gene. It is expected to result in an absent or disrupted protein product. Loss-of-function variants in PBX1 are known to be pathogenic (PMID: 28566479, 29036646, 29226118). This variant is not present in population databases (gnomAD no frequency).

Literature cited by the submitters: PubMed 28566479; PubMed 29036646; PubMed 29226118.

NM_002585.4(PBX1):c.790G>T (p.Glu264Ter)

Gene: PBX1 (PBX homeobox 1; plus strand). Cytogenetic location: 1q23.3.
Variant type: single nucleotide variant.
Coding change: c.790G>T on transcript NM_002585.4 (MANE Select); coding-DNA position 790, G replaced by T.
Protein change: p.Glu264Ter; replaces glutamic acid 264 with a stop codon.
Molecular consequence: nonsense.
Genome position (GRCh38, 1-based): chr1:164,807,630, G>T. VCF-style: chr1-164807630-G-T. GRCh37 (hg19) VCF-style: chr1-164776867-G-T.
Other names: c.790G>T, p.Glu264Ter (NM_001204963.2, NM_001353131.2, NM_001204961.2); c.541G>T, p.Glu181Ter (NM_001353130.1); short protein forms E181*, E264*.
Identifiers: ClinVar variation 1430515 (VCV001430515.6), dbSNP rs2102336603, ClinGen allele CA343471343.